The following is an entry in ClinVar:

ClinVar aggregate classification (germline): Pathogenic (1 of 4 stars; one submission).

Conditions:
Neurofibromatosis, type 1 (NF1). Also called: VON RECKLINGHAUSEN DISEASE; Peripheral type neurofibromatosis; NEUROFIBROMATOSIS, TYPE I, SOMATIC; Neurofibromatosis, type I. Identifiers: Orphanet 636, MedGen C0027831, MONDO:0018975, OMIM 162200. Disease mechanism: loss of function.

Submission:

Labcorp Genetics (formerly Invitae), Labcorp
Classification: Pathogenic for Neurofibromatosis, type 1. Last evaluated: 2020-03-09. Review status: criteria provided, single submitter. Criteria: Invitae Variant Classification Sherloc (09022015). Collection method: clinical testing. Allele origin: germline.
Comment: This sequence change creates a premature translational stop signal (p.Leu1297Ilefs*13) in the NF1 gene. It is expected to result in an absent or disrupted protein product. For these reasons, this variant has been classified as Pathogenic. Loss-of-function variants in NF1 are known to be pathogenic (PMID: 10712197, 23913538). This variant has not been reported in the literature in individuals with NF1-related conditions. This variant is not present in population databases (ExAC no frequency).

Literature cited by the submitters: PubMed 10712197; PubMed 23913538.

NM_001042492.3(NF1):c.3887_3888dup (p.Leu1297fs)

Gene: NF1 (neurofibromin 1; plus strand). Cytogenetic location: 17q11.2.
Variant type: Duplication.
Coding change: c.3887_3888dup on transcript NM_001042492.3 (MANE Select); coding-DNA positions 3887 to 3888, 2 bases duplicated (AT; older notation c.3887_3888dupAT).
Protein change: p.Leu1297fs; shifts the reading frame from leucine 1297.
Molecular consequence: frameshift variant.
Genome position (GRCh38, 1-based): chr17:31,235,934-31,235,935, AT duplicated; duplicating any 2 consecutive bases within chr17:31,235,933-31,235,935 gives the same sequence; the c. name uses the placement nearest the transcript's 3' end. VCF-style (leftmost placement, unchanged base first): chr17-31235932-C-CTA. GRCh37 (hg19) VCF-style: chr17-29562950-C-CTA.
Other names: c.3887_3888dup, p.Leu1297Ilefs (NM_000267.4); short protein forms L1297fs.
Identifiers: ClinVar variation 1069529 (VCV001069529.5), dbSNP rs2151438524, ClinGen allele CA2499224117.